The following is an entry in ClinVar:

ClinVar aggregate classification (germline): Pathogenic/Likely pathogenic. Review status: criteria provided, multiple submitters, no conflicts (2 of 4 stars). 7 submissions from 7 submitters: Pathogenic (5); Likely pathogenic (1). 1 of the submissions does not count toward it. Last evaluated 2025-05-08.

Conditions:
Juvenile neuronal ceroid lipofuscinosis. Also called: Batten Disease. Identifiers: Orphanet 79264, MedGen CN293564, MONDO:0019262.
CLN3-related disorders.
Neuronal ceroid lipofuscinosis. Also called: Neuronal Ceroid Lipofuscinoses. Identifiers: Orphanet 216, Orphanet 79263, MedGen C0027877, MONDO:0016295. Disease mechanism: loss of function.
Neuronal ceroid lipofuscinosis 3 (CLN3). Identifiers: Orphanet 228346, MedGen C0751383, MONDO:0008767, OMIM 204200.

Submissions (7):

Natera, Inc.
Classification: Pathogenic for Batten Disease. Last evaluated: 2025-05-08. Review status: criteria provided, single submitter. Criteria: Natera Variant Classification Schema (03/2026). Collection method: clinical testing. Allele origin: germline.
Comment: The c.370dup variant in CLN3 is a frameshift variant predicted to shift the reading frame beginning at codon 124 and leads to a stop codon 36 codons downstream. This variant is expected to result in nonsense mediated decay, truncation, or a dysfunctional protein product. This variant is rare in the general population with a frequency below the threshold expected for the associated phenotype(s). This variant has been observed in one or more individuals affected with the associated recessive disease, as either homozygous or compound heterozygous with a second variant (PMID: 21499717). Given the available evidence, this variant is classified as Pathogenic.

Blueprint Genetics
Classification: Pathogenic for CLN3-related disorders. Last evaluated: 2024-02-09. Review status: criteria provided, single submitter. Criteria: ACMG Guidelines, 2015. Collection method: clinical testing. Allele origin: germline. Affected: yes. Observed: 2 variant alleles.

Labcorp Genetics (formerly Invitae), Labcorp
Classification: Pathogenic for Neuronal ceroid lipofuscinosis. Last evaluated: 2022-09-15. Review status: criteria provided, single submitter. Criteria: Invitae Variant Classification Sherloc (09022015). Collection method: clinical testing. Allele origin: germline.
Comment: This sequence change creates a premature translational stop signal (p.Tyr124Leufs*36) in the CLN3 gene. It is expected to result in an absent or disrupted protein product. Loss-of-function variants in CLN3 are known to be pathogenic (PMID: 9311735, 28542676). This variant is not present in population databases (gnomAD no frequency). This premature translational stop signal has been observed in individual(s) with neuronal ceroid lipofuscinosis (PMID: 21499717). ClinVar contains an entry for this variant (Variation ID: 56264). For these reasons, this variant has been classified as Pathogenic.

Baylor Genetics
Classification: Pathogenic for Neuronal ceroid lipofuscinosis 3. Last evaluated: 2022-06-22. Review status: criteria provided, single submitter. Criteria: ACMG Guidelines, 2015. Collection method: clinical testing. Allele origin: unknown.

Dasa
Classification: Likely pathogenic for Neuronal ceroid lipofuscinosis 3. Last evaluated: 2022-02-05. Review status: criteria provided, single submitter. Criteria: ACMG Guidelines, 2015. Collection method: clinical testing. Allele origin: germline. Affected: yes. Observed: 1 variant allele.
Comment: The c.370dup;p.(Tyr124Leufs*36) is a null frameshift variant (NMD) in the CLN3 gene and predicts alteration of the nonsense-mediate decay - NMD is present in a relevant exon to the transcript - PVS1. This variant is not present in population databases (rs386833715, gnomAD; ABraOM no frequency) - PM2. In summary, the currently available evidence indicates that the variant is likely pathogenic.

Laboratorio de Genetica e Diagnostico Molecular, Hospital Israelita Albert Einstein
Classification: Pathogenic for Neuronal ceroid lipofuscinosis 3. Last evaluated: 2021-12-03. Review status: criteria provided, single submitter. Criteria: ACMG Guidelines, 2015. Collection method: clinical testing. Allele origin: germline. Affected: yes.
Comment: ACMG classification criteria: PVS1 very strong, PS4 supporting, PM2 moderate, PM3 moderate

Juha Muilu Group; Institute for Molecular Medicine Finland (FIMM)
Classification: Likely pathogenic for Juvenile neuronal ceroid lipofuscinosis. Review status: no assertion criteria provided. Collection method: not provided. Allele origin: unknown. Not counted in ClinVar's aggregate classification.
Comment: FinDis database variant: This variant was not found or characterized by our laboratory, data were collected from public sources: see reference
ClinVar note: Converted during submission from probable-pathogenic to Likely pathogenic.

Literature cited by the submitters: PubMed 21499717 (cited by Natera, Inc. and Labcorp Genetics (formerly Invitae), Labcorp); PubMed 9311735 (cited by Labcorp Genetics (formerly Invitae), Labcorp); PubMed 28542676 (cited by Labcorp Genetics (formerly Invitae), Labcorp).

NM_001042432.2(CLN3):c.370dup (p.Tyr124fs)

Gene: CLN3 (CLN3 lysosomal/endosomal transmembrane protein, battenin; minus strand). Cytogenetic location: 16p12.1.
Variant type: Duplication.
Coding change: c.370dup on transcript NM_001042432.2 (MANE Select); coding-DNA position 370, one base duplicated (T; older notation c.370dupT).
Protein change: p.Tyr124fs; shifts the reading frame from tyrosine 124.
Molecular consequence: frameshift variant. On other transcripts: intron variant (1).
Genome position (GRCh38, 1-based): chr16:28,487,666, A duplicated on the plus strand (T on the coding strand, the reverse complement: CLN3 is on the minus strand). VCF-style (leftmost placement, unchanged base first): chr16-28487665-T-TA. GRCh37 (hg19) VCF-style: chr16-28498986-T-TA.
Other names: c.370dupT (NM_001042432.1); c.370dup, p.Tyr124fs (NM_000086.2); c.298dup, p.Tyr100fs (NM_001286104.2); c.136dup, p.Tyr46fs (NM_001286109.2); c.208dup, p.Tyr70fs (NM_001286110.2); c.75-125dup (NM_001286105.2); short protein forms Y100fs, Y124fs, Y46fs, Y70fs.
Identifiers: ClinVar variation 56264 (VCV000056264.15), dbSNP rs386833715, ClinGen allele CA263660.